The following is an entry in ClinVar:

NM_004409.5(DMPK):c.*224CTG[62]

Genes: DM1-AS (DM1 locus antisense RNA; plus strand), DMPK (DM1 protein kinase; minus strand), LOC107075317 (origin of replication in DMPK trinucleotide repeat region; plus strand), LOC109461477 (dystrophia myotonica protein kinase repeat instability region; plus strand). Cytogenetic location: 19q13.32.
Variant type: Microsatellite.
Coding change: c.*224CTG[62] on transcript NM_004409.5 (MANE Select); 62 copies in a row of the 3-base unit CTG starting at c.*224.
Molecular consequence: 3 prime UTR variant.
Genome position: GRCh38, VCF-style position (the base before the change): chr19:45,770,204. GRCh37 (hg19), VCF-style position (the base before the change): chr19:46,273,462.
Other names: DM1 CTG repeat expansion; c.*224CTG[62] (NM_001081560.3, NM_001288764.2, NM_001424165.1 and 1 more transcripts); c.*217CTG[62] (NM_001081562.3, NM_001288765.2, NM_001424162.1 and 2 more transcripts); c.*222_*224TGC[62] (NM_001081563.3); c.*369CTG[62] (NM_001288766.2, NM_001424164.1, NM_001424168.1).
Identifiers: ClinVar variation 188015 (VCV000188015.2), ClinGen allele CA915951844.

ClinVar aggregate classification (germline): Pathogenic (0 of 4 stars; one submission).

Conditions:
Steinert myotonic dystrophy syndrome (DM1). Also called: STEINERT DISEASE; Myotonic dystrophy type 1; Dystrophia myotonica type 1; Steinert myotonic dystrophy; Steinert's disease. Identifiers: Orphanet 273, MedGen C3250443, MONDO:0008056, OMIM 160900.

Submission:

Institute of Molecular, Cell and Systems Biology, University of Glasgow
Classification: Pathogenic for Steinert myotonic dystrophy syndrome. Review status: no assertion criteria provided. Criteria: research. Collection method: research. Allele origin: germline. Inheritance: Autosomal dominant inheritance. Affected: yes. Observed: 1 heterozygote.
Comment: DMPK CTG repeat expansions greater than approximately 45-50 repeats are assumed to be pathogenic

This record is based on data published in PubMed 25052313, which reports only ClinVar accessions SCV000120188 and SCV000120189. The complete data set includes SCV000207445 - SCV000207579.

Literature cited by the submitters: PubMed 1346923; PubMed 1546326; PubMed 25052313.